The following is an entry in ClinVar:

NM_153460.4(IL17RC):c.1546C>G (p.Leu516Val)

Gene: IL17RC (interleukin 17 receptor C; plus strand). Cytogenetic location: 3p25.3.
Variant type: single nucleotide variant.
Coding change: c.1546C>G on transcript NM_153460.4 (MANE Select); coding-DNA position 1546, C replaced by G.
Protein change: p.Leu516Val; replaces leucine 516 with valine.
Molecular consequence: missense variant. On other transcripts: non-coding transcript variant (1).
Genome position (GRCh38, 1-based): chr3:9,932,976, C>G. VCF-style: chr3-9932976-C-G. GRCh37 (hg19) VCF-style: chr3-9974660-C-G.
Other names: c.1507C>G, p.Leu503Val (NM_001203263.2); c.1456C>G, p.Leu486Val (NM_001203264.2); c.1450C>G, p.Leu484Val (NM_001203265.2); c.1468C>G, p.Leu490Val (NM_001367278.1); c.1387C>G, p.Leu463Val (NM_001367279.1); c.1462C>G, p.Leu488Val (NM_001367280.1); c.1501C>G, p.Leu501Val (NM_032732.6); c.1759C>G, p.Leu587Val (NM_153461.4); short protein forms L463V, L486V, L501V, L484V, L490V, L503V, L488V, L516V.
Identifiers: ClinVar variation 1036475 (VCV001036475.5), dbSNP rs773256916, ClinGen allele CA2247364.
Genomic context (GRCh38, chr3:9,932,976, plus strand): 5'-GCTCACCTCTTCCCTCCCCATCTGTTTTCTCCGGCAGCGGCCGCCAGGGGCCGCGCGGCT[C>G]TGCTCCTCTACTCAGCCGATGACTCGGGTTTCGAGCGCCTGGTGGGCGCCCTGGCGTCGG-3'
Protein context (NP_703190.2, residues 506-526): SGAAARGRAA[Leu516Val]LLYSADDSGF

ClinVar aggregate classification (germline): Uncertain significance (1 of 4 stars; one submission).

Conditions:
Candidiasis, familial, 9 (CANDF9). Identifiers: Orphanet 1334, MedGen C4225324, MONDO:0014642, OMIM 616445.

Allele frequency attached by ClinVar (database versions not stated): gnomAD exomes 0.00001 and 0.00002; ExAC 0.00002; gnomAD 0.00002; TOPMed 0.00003.
gnomAD v4.1: 14 of 1,604,914 alleles (0.00087%); highest among the groups gnomAD compares: Admixed American, 0.0034%; no homozygotes.

Submission:

Labcorp Genetics (formerly Invitae), Labcorp
Classification: Uncertain significance for Candidiasis, familial, 9. Last evaluated: 2023-10-29. Review status: criteria provided, single submitter. Criteria: Invitae Variant Classification Sherloc (09022015). Collection method: clinical testing. Allele origin: germline.
Comment: This sequence change replaces leucine, which is neutral and non-polar, with valine, which is neutral and non-polar, at codon 587 of the IL17RC protein (p.Leu587Val). This variant is present in population databases (rs773256916, gnomAD 0.004%). This variant has not been reported in the literature in individuals affected with IL17RC-related conditions. ClinVar contains an entry for this variant (Variation ID: 1036475). An algorithm developed to predict the effect of missense changes on protein structure and function (PolyPhen-2) suggests that this variant is likely to be disruptive. In summary, the available evidence is currently insufficient to determine the role of this variant in disease. Therefore, it has been classified as a Variant of Uncertain Significance.